The following is an entry in ClinVar:

ClinVar aggregate classification (germline): Uncertain significance. Review status: criteria provided, multiple submitters, no conflicts (2 of 4 stars). 3 submissions from 3 submitters: Uncertain significance (2). 1 of the submissions does not count toward it. Last evaluated 2022-01-13.

Conditions:
Cerebral creatine deficiency syndrome. Also called: Creatine deficiency syndromes. Identifiers: Orphanet 79172, MedGen C5244016, MONDO:0000456.
Deficiency of guanidinoacetate methyltransferase (CCDS2). Also called: GAMT DEFICIENCY; Guanidinoacetate Methyltransferase (GAMT) Deficiency; CEREBRAL CREATINE DEFICIENCY SYNDROME 2. Identifiers: Orphanet 382, MedGen C0574080, MONDO:0012999, OMIM 612736.

Allele frequency attached by ClinVar (database versions not stated): gnomAD 0.00006; TOPMed 0.00004; gnomAD exomes 0.00001; ExAC 0.00004.
gnomAD v4.1: 16 of 1,571,130 alleles (0.001%); highest among the groups gnomAD compares: African/African-American, 0.0095%; no homozygotes.

Submissions (3):

Labcorp Genetics (formerly Invitae), Labcorp
Classification: Uncertain significance for Cerebral creatine deficiency syndrome. Last evaluated: 2022-01-13. Review status: criteria provided, single submitter. Criteria: Invitae Variant Classification Sherloc (09022015). Collection method: clinical testing. Allele origin: germline.
Comment: This sequence change replaces arginine, which is basic and polar, with tryptophan, which is neutral and slightly polar, at codon 105 of the GAMT protein (p.Arg105Trp). The frequency data for this variant in the population databases is considered unreliable, as metrics indicate poor data quality at this position in the gnomAD database. This variant has not been reported in the literature in individuals affected with GAMT-related conditions. ClinVar contains an entry for this variant (Variation ID: 431818). Algorithms developed to predict the effect of missense changes on protein structure and function are either unavailable or do not agree on the potential impact of this missense change (SIFT: "Deleterious"; PolyPhen-2: "Benign"; Align-GVGD: "Class C0"). In summary, the available evidence is currently insufficient to determine the role of this variant in disease. Therefore, it has been classified as a Variant of Uncertain Significance.

GeneDx
Classification: Uncertain significance. Last evaluated: 2017-06-22. Review status: criteria provided, single submitter. Criteria: GeneDx Variant Classification (06012015). Collection method: clinical testing. Allele origin: germline. Affected: yes.
Comment: The R105W variant has not been published as a pathogenic variant, nor has it been reported as a benign variant to our knowledge. The R105W variant is not observed at a significant frequency in large population cohorts (Lek et al., 2016; 1000 Genomes Consortium et al., 2015; Exome Variant Server). The R105W variant is a non-conservative amino acid substitution, which is likely to impact secondary protein structure as these residues differ in polarity, charge, size and/or other properties. However, this substitution occurs at a position that is not conserved. In silico analysis is inconsistent in its predictions as to whether or not the variant is damaging to the protein structure/function. Therefore, based on the currently available information, it is unclear whether this variant is a pathogenic variant or a rare benign variant.

Natera, Inc.
Classification: Uncertain significance for Guanidinoacetate methyltransferase deficiency. Last evaluated: 2019-10-28. Review status: no assertion criteria provided. Collection method: clinical testing. Allele origin: germline. Not counted in ClinVar's aggregate classification.

NM_000156.6(GAMT):c.313C>T (p.Arg105Trp)

Gene: GAMT (guanidinoacetate N-methyltransferase; minus strand). Cytogenetic location: 19p13.3.
Variant type: single nucleotide variant.
Coding change: c.313C>T on transcript NM_000156.6 (MANE Select); coding-DNA position 313, C replaced by T.
Protein change: p.Arg105Trp; replaces arginine 105 with tryptophan.
Molecular consequence: missense variant.
Genome position (GRCh38, 1-based): chr19:1,399,807, G>A on the plus strand (C>T on the coding strand, the complement: GAMT is on the minus strand). VCF-style: chr19-1399807-G-A. GRCh37 (hg19) VCF-style: chr19-1399806-G-A.
Other names: c.313C>T, p.Arg105Trp (NM_138924.3); short protein forms R105W.
Identifiers: ClinVar variation 431818 (VCV000431818.8), dbSNP rs757909053, ClinGen allele CA9043742.